The following is an entry in ClinVar:

ClinVar aggregate classification (germline): Uncertain significance. Review status: criteria provided, multiple submitters, no conflicts (2 of 4 stars). 2 submissions from 2 submitters: Uncertain significance (2). Last evaluated 2026-01-05.

Conditions:
Inborn genetic diseases. Identifiers: MedGen C0950123, MeSH D030342.

Submissions (2):

Ambry Genetics
Classification: Uncertain significance for Inborn genetic diseases. Last evaluated: 2026-01-05. Review status: criteria provided, single submitter. Criteria: Ambry Variant Classification Scheme 2023. Collection method: clinical testing. Allele origin: germline.

GeneDx
Classification: Uncertain significance. Last evaluated: 2019-06-26. Review status: criteria provided, single submitter. Criteria: GeneDx Variant Classification Process June 2021. Collection method: clinical testing. Allele origin: germline. Affected: yes.
Comment: Not observed in large population cohorts (Lek et al., 2016); In silico analysis, which includes protein predictors and evolutionary conservation, supports that this variant does not alter protein structure/function; Has not been previously published as pathogenic or benign to our knowledge

NM_001170629.2(CHD8):c.2218A>G (p.Asn740Asp)

Gene: CHD8 (chromodomain helicase DNA binding protein 8; minus strand). Cytogenetic location: 14q11.2.
Variant type: single nucleotide variant.
Coding change: c.2218A>G on transcript NM_001170629.2 (MANE Select); coding-DNA position 2218, A replaced by G.
Protein change: p.Asn740Asp; replaces asparagine 740 with aspartic acid.
Molecular consequence: missense variant.
Genome position (GRCh38, 1-based): chr14:21,412,921, T>C on the plus strand (A>G on the coding strand, the complement: CHD8 is on the minus strand). VCF-style: chr14-21412921-T-C. GRCh37 (hg19) VCF-style: chr14-21881080-T-C.
Other names: c.1381A>G, p.Asn461Asp (NM_020920.4); short protein forms N461D, N740D.
Identifiers: ClinVar variation 1306564 (VCV001306564.3), dbSNP rs2139492486, ClinGen allele CA388877685.